The following is an entry in ClinVar:

NM_000330.4(RS1):c.175T>A (p.Cys59Ser)

Gene: RS1 (retinoschisin 1; minus strand). Cytogenetic location: Xp22.13.
Variant type: single nucleotide variant.
Coding change: c.175T>A on transcript NM_000330.4 (MANE Select); coding-DNA position 175, T replaced by A.
Protein change: p.Cys59Ser; replaces cysteine 59 with serine.
Molecular consequence: missense variant.
Genome position (GRCh38, 1-based): chrX:18,656,662, A>T on the plus strand (T>A on the coding strand, the complement: RS1 is on the minus strand). VCF-style: chrX-18656662-A-T. GRCh37 (hg19) VCF-style: chrX-18674782-A-T.
Other names: NM_000330.4(RS1):c.175T>A; short protein forms C59S.
Identifiers: ClinVar variation 98908 (VCV000098908.10), dbSNP rs62645889, ClinGen allele CA226605.

ClinVar aggregate classification (germline): Pathogenic. Review status: reviewed by expert panel (3 of 4 stars). 4 submissions from 4 submitters: Pathogenic (1). 3 of the submissions do not count toward it. Last evaluated 2025-10-03.

Conditions:
Retinal dystrophy. Also called: Inherited retinal dystrophy. Identifiers: Orphanet 71862, MedGen C0854723, MeSH D058499, MONDO:0019118, HP:0000556.
Juvenile retinoschisis (RS1). Also called: X-Linked Juvenile Retinoschisis; X-linked retinoschisis. Identifiers: Orphanet 792, MedGen C3714753, MONDO:0010725, OMIM 312700.

Submissions (4):

ClinGen X-linked Inherited Retinal Disease Variant Curation Expert Panel, ClinGen
Classification: Pathogenic for Juvenile retinoschisis. Last evaluated: 2025-10-03. Review status: reviewed by expert panel. Criteria: ClinGen X LinkedIRD ACMG Specifications RS1 V1.0.0. Collection method: curation. Allele origin: germline. Inheritance: X-linked inheritance.
Comment: NM_000330.4(RS1):c.175T>A (p.Cys59Ser) is a missense variant encoding the substitution of cysteine with serine at amino acid 59, which is a critical amino acid residue involved in disulfide bridge formation as defined by the ClinGen X-linked IRD VCEP (PMID: 26812435, PM1_Strong). A missense variant encoding the same amino acid substitution, NM_000330.4(RS1):c.176G>C (p.Cys59Ser), (PMIDs: 12746437,19849666, 23288992, 35456481, 34645606) has been classified as pathogenic for X-linked retinoschisis by the ClinGen X-linked IRD VCEP, while no benign missense variants have been identified in this codon. SpliceAI has been used to confirm that neither variant has a predicted impact on RS1 splicing. The PS1 code was not considered to avoid circularity. This variant is absent from hemizygous individuals in gnomAD v4.1.0 (PM2_Supporting). This variant has been reported in at least 2 apparently unrelated probands meeting the PS4 requirement of a male diagnosed with XLRS (PMIDs: 10450864, 17987333, 9618178, 35982512, PS4_Supporting). Knock-in mice harboring the variant exhibited reduced electroretinogram b-wave amplitudes and developed schisis (PMID: 31174210, PS3). The computational predictor REVEL gives a score of 0.916, which is within the ClinGen X-linked IRD VCEP range between 0.931 to 0.773 and predicts a damaging effect on RS1 function. PP3 is not met as this code is ineligible to be combined with the PM1_Strong code. The computational splicing predictor SpliceAI gives a delta score of 0.00 for all predictive splice changes, which is below the ClinGen X-linked IRD VCEP threshold of >0.2 and does not predict that the variant disrupts RS1 splicing. In summary, this variant is classified as pathogenic for X-linked retinoschisis based on the ClinGen X-linked Inherited Retinal Disease Expert Panel Specifications to the ACMG/AMP Variant Interpretation Guidelines for RS1 Version 1.0.0: PM2_Supporting, PM1_Strong, PS3, and PS4_Supporting.

Labcorp Genetics (formerly Invitae), Labcorp
Classification: Pathogenic. Last evaluated: 2021-11-08. Review status: criteria provided, single submitter. Criteria: Invitae Variant Classification Sherloc (09022015). Collection method: clinical testing. Allele origin: germline. Not counted in ClinVar's aggregate classification.
Comment: This sequence change replaces cysteine, which is neutral and slightly polar, with serine, which is neutral and polar, at codon 59 of the RS1 protein (p.Cys59Ser). This variant is not present in population databases (gnomAD no frequency). This missense change has been observed in individual(s) with retinoschisis (PMID: 9618178, 23288992). ClinVar contains an entry for this variant (Variation ID: 98908). Advanced modeling of protein sequence and biophysical properties (such as structural, functional, and spatial information, amino acid conservation, physicochemical variation, residue mobility, and thermodynamic stability) performed at Invitae indicates that this missense variant is expected to disrupt RS1 protein function. Experimental studies have shown that this missense change affects RS1 function (PMID: 17525175, 19849666, 27995734, 28615319). Algorithms developed to predict the effect of sequence changes on RNA splicing suggest that this variant may create or strengthen a splice site. This variant disrupts the p.Cys59 amino acid residue in RS1. Other variant(s) that disrupt this residue have been observed in individuals with RS1-related conditions (PMID: 22245991), which suggests that this may be a clinically significant amino acid residue. For these reasons, this variant has been classified as Pathogenic.

Institute of Human Genetics, Univ. Regensburg, Univ. Regensburg
Classification: Pathogenic for Retinal dystrophy. Last evaluated: 2019-01-01. Review status: criteria provided, single submitter. Criteria: ACMG Guidelines, 2015. Collection method: clinical testing. Allele origin: germline. Affected: yes. Not counted in ClinVar's aggregate classification.

Retina International
No classification provided. Review status: no classification provided. Collection method: not provided. Allele origin: not provided. Not counted in ClinVar's aggregate classification.

Literature cited by the submitters: PubMed 9618178 (cited by Labcorp Genetics (formerly Invitae), Labcorp and Institute of Human Genetics, Univ. Regensburg, Univ. Regensburg); PubMed 23288992 (cited by Labcorp Genetics (formerly Invitae), Labcorp); PubMed 17525175 (cited by Labcorp Genetics (formerly Invitae), Labcorp and Institute of Human Genetics, Univ. Regensburg, Univ. Regensburg); PubMed 19849666 (cited by Labcorp Genetics (formerly Invitae), Labcorp and Institute of Human Genetics, Univ. Regensburg, Univ. Regensburg); PubMed 27995734 (cited by Labcorp Genetics (formerly Invitae), Labcorp and Institute of Human Genetics, Univ. Regensburg, Univ. Regensburg); PubMed 28615319 (cited by Labcorp Genetics (formerly Invitae), Labcorp); PubMed 22245991 (cited by Labcorp Genetics (formerly Invitae), Labcorp); PubMed 12417531 (cited by Institute of Human Genetics, Univ. Regensburg, Univ. Regensburg); PubMed 16361673 (cited by Institute of Human Genetics, Univ. Regensburg, Univ. Regensburg).